The following is an entry in ClinVar:

ClinVar aggregate classification (germline): Likely benign. Review status: criteria provided, multiple submitters, no conflicts (2 of 4 stars). 3 submissions from 3 submitters: Likely benign (3). Last evaluated 2025-10-22.

Conditions:
QARS1-related disorder. Also called: QARS1-related condition.
Diffuse cerebral and cerebellar atrophy - intractable seizures - progressive microcephaly syndrome. Also called: Microcephaly, progressive, with seizures and cerebral and cerebellar atrophy. Identifiers: Orphanet 404437, MedGen C4014239, MONDO:0014335, OMIM 615760.

Allele frequency attached by ClinVar (database versions not stated): gnomAD exomes 0.00005 and 0.00008; ESP Exome Variant Server 0.00008; gnomAD 0.00008; TOPMed 0.00008; ExAC 0.00004.

Submissions (3):

PreventionGenetics, part of Exact Sciences
Classification: Likely benign for QARS1-related condition. Last evaluated: 2025-10-22. Review status: criteria provided, single submitter. Criteria: ACMG Guidelines, 2015. Collection method: clinical testing. Allele origin: germline.
Comment: This variant is classified as likely benign based on ACMG/AMP sequence variant interpretation guidelines (Richards et al. 2015 PMID: 25741868, with internal and published modifications).

Labcorp Genetics (formerly Invitae), Labcorp
Classification: Likely benign for Diffuse cerebral and cerebellar atrophy - intractable seizures - progressive microcephaly syndrome. Last evaluated: 2025-07-06. Review status: criteria provided, single submitter. Criteria: Invitae Variant Classification Sherloc (09022015). Collection method: clinical testing. Allele origin: germline.

GeneDx
Classification: Likely benign. Last evaluated: 2019-03-20. Review status: criteria provided, single submitter. Criteria: GeneDx Variant Classification Process June 2021. Collection method: clinical testing. Allele origin: germline. Affected: yes.

NM_005051.3(QARS1):c.2172T>C (p.Asp724=)

Gene: QARS1 (glutaminyl-tRNA synthetase 1; minus strand). Cytogenetic location: 3p21.31.
Variant type: single nucleotide variant.
Coding change: c.2172T>C on transcript NM_005051.3 (MANE Select); coding-DNA position 2172, T replaced by C.
Protein change: p.Asp724=; no amino-acid change (aspartic acid 724 retained).
Molecular consequence: synonymous variant. On other transcripts: non-coding transcript variant (1).
Genome position (GRCh38, 1-based): chr3:49,098,097, A>G on the plus strand (T>C on the coding strand, the complement: QARS1 is on the minus strand). VCF-style: chr3-49098097-A-G. GRCh37 (hg19) VCF-style: chr3-49135530-A-G.
Other names: c.2139T>C, p.Asp713= (NM_001272073.2).
Identifiers: ClinVar variation 385416 (VCV000385416.12), dbSNP rs200663794, ClinGen allele CA2391484.